The following is an entry in ClinVar:

ClinVar aggregate classification (germline): Likely benign. Review status: criteria provided, multiple submitters, no conflicts (2 of 4 stars). 4 submissions from 4 submitters: Likely benign (4). Last evaluated 2026-01-09.

Allele frequency attached by ClinVar (database versions not stated): gnomAD 0.00003 and 0.00004; gnomAD exomes 0.00003 and 0.00005; TOPMed 0.00003.

Submissions (4):

Labcorp Genetics (formerly Invitae), Labcorp
Classification: Likely benign. Last evaluated: 2026-01-09. Review status: criteria provided, single submitter. Criteria: Invitae Variant Classification Sherloc (09022015). Collection method: clinical testing. Allele origin: germline.

CeGaT Center for Human Genetics Tuebingen
Classification: Likely benign. Last evaluated: 2025-12-01. Review status: criteria provided, single submitter. Criteria: CeGaT Center For Human Genetics Tuebingen Variant Classification Criteria Version 2. Collection method: clinical testing. Allele origin: germline. Affected: yes. Observed: 1 variant allele.
Comment: USH1G: BP4, BP7

Blueprint Genetics
Classification: Likely benign. Last evaluated: 2023-10-05. Review status: criteria provided, single submitter. Criteria: ACMG Guidelines, 2015. Collection method: clinical testing. Allele origin: germline.

Laboratory for Molecular Medicine, Mass General Brigham Personalized Medicine
Classification: Likely benign. Last evaluated: 2015-05-22. Review status: criteria provided, single submitter. Criteria: LMM Criteria. Collection method: clinical testing. Allele origin: germline. Observed: 1 variant allele.
Comment: p.Ser324Ser in exon 2 of USH1G: This variant is not expected to have clinical si gnificance because it does not alter an amino acid residue and is not located wi thin the splice consensus sequence.

NM_173477.5(USH1G):c.972T>C (p.Ser324=)

Gene: USH1G (USH1 protein network component sans; minus strand). Cytogenetic location: 17q25.1.
Variant type: single nucleotide variant.
Coding change: c.972T>C on transcript NM_173477.5 (MANE Select); coding-DNA position 972, T replaced by C.
Protein change: p.Ser324=; no amino-acid change (serine 324 retained).
Molecular consequence: synonymous variant.
Genome position (GRCh38, 1-based): chr17:74,919,864, A>G on the plus strand (T>C on the coding strand, the complement: USH1G is on the minus strand). VCF-style: chr17-74919864-A-G. GRCh37 (hg19) VCF-style: chr17-72915959-A-G.
Other names: c.663T>C, p.Ser221= (NM_001282489.3).
Identifiers: ClinVar variation 228199 (VCV000228199.18), dbSNP rs773660538, ClinGen allele CA10577041.
Genomic context (GRCh38, chr17:74,919,864, plus strand): 5'-ACCCCGCGGCGCTCCCACCCCATCCAGACCCCCATCCTCGCGGCCCAGTCCGTGCAGCCC[A>G]CTGCTCAAGTAATTTCTGCGGAACACCATGGTGCCCAGGCCGGGGCGGGTAAACAGGGAG-3'
Protein context (NP_775748.2, residues 314-334): TMVFRRNYLS[Ser324=]GLHGLGREDG